The following is an entry in ClinVar:

NM_001375567.1(FOCAD):c.293C>T (p.Thr98Ile)

Gene: FOCAD (focadhesin; plus strand). Cytogenetic location: 9p21.3.
Variant type: single nucleotide variant.
Coding change: c.293C>T on transcript NM_001375567.1 (MANE Select); coding-DNA position 293, C replaced by T.
Protein change: p.Thr98Ile; replaces threonine 98 with isoleucine.
Molecular consequence: missense variant. On other transcripts: intron variant (1).
Genome position (GRCh38, 1-based): chr9:20,740,241, C>T. VCF-style: chr9-20740241-C-T. GRCh37 (hg19) VCF-style: chr9-20740240-C-T.
Other names: c.293C>T, p.Thr98Ile (NM_001375568.1, NM_017794.5); c.288-17849C>T (NM_001375570.1); short protein forms T98I.
Identifiers: ClinVar variation 4712303 (VCV004712303.1).
Genomic context (GRCh38, chr9:20,740,241, plus strand): 5'-GATTAGAATATTCACTTTTTATCTATAACATTTAACATGCTATATTTCTTTGCAGAAATA[C>T]ACATGGCTTGATAAAAGCCATTATGCACTTACTACAAATGCAAGCTCTTAAGGAAGGACA-3'
Protein context (NP_001362496.1, residues 88-108): ILNLIPSTRN[Thr98Ile]HGLIKAIMHL

ClinVar aggregate classification (germline): Uncertain significance (1 of 4 stars; one submission).

Submission:

Labcorp Genetics (formerly Invitae), Labcorp
Classification: Uncertain significance. Last evaluated: 2025-04-14. Review status: criteria provided, single submitter. Criteria: Invitae Variant Classification Sherloc (09022015). Collection method: clinical testing. Allele origin: germline.
Comment: This sequence change replaces threonine, which is neutral and polar, with isoleucine, which is neutral and non-polar, at codon 98 of the FOCAD protein (p.Thr98Ile). This variant is not present in population databases (gnomAD no frequency). This variant has not been reported in the literature in individuals affected with FOCAD-related conditions. Experimental studies and prediction algorithms are not available or were not evaluated, and the functional significance of this variant is currently unknown. In summary, the available evidence is currently insufficient to determine the role of this variant in disease. Therefore, it has been classified as a Variant of Uncertain Significance.